The following is an entry in ClinVar:

ClinVar aggregate classification (germline): Conflicting classifications of pathogenicity. Review status: criteria provided, conflicting classifications (1 of 4 stars). 4 submissions from 4 submitters: Uncertain significance (3); Likely benign (1). Last evaluated 2025-10-12.

Conditions:
Hereditary breast ovarian cancer syndrome. Also called: Hereditary breast and ovarian cancer; Breast and ovarian cancer; Hereditary breast and ovarian cancer syndrome; Hereditary breast and/or ovarian cancer syndrome; BRCA1- and BRCA2-Associated Hereditary Breast and Ovarian Cancer; Hereditary breast and ovarian cancer syndrome (HBOC). Identifiers: Orphanet 145, MedGen C0677776, MeSH D061325, MONDO:0003582. Disease mechanism: loss of function.
Hereditary cancer-predisposing syndrome. Also called: Hereditary Cancer Syndrome; Hereditary neoplastic syndrome; Neoplastic Syndromes, Hereditary; Tumor predisposition. Identifiers: Orphanet 140162, MedGen C0027672, MeSH D009386, MONDO:0015356.

Submissions (4):

Labcorp Genetics (formerly Invitae), Labcorp
Classification: Uncertain significance for Hereditary breast ovarian cancer syndrome. Last evaluated: 2025-10-12. Review status: criteria provided, single submitter. Criteria: Invitae Variant Classification Sherloc (09022015). Collection method: clinical testing. Allele origin: germline.
Comment: This sequence change replaces proline, which is neutral and non-polar, with serine, which is neutral and polar, at codon 721 of the BRCA2 protein (p.Pro721Ser). This variant is not present in population databases (gnomAD no frequency). This variant has not been reported in the literature in individuals affected with BRCA2-related conditions. ClinVar contains an entry for this variant (Variation ID: 441365). Invitae Evidence Modeling of protein sequence and biophysical properties (such as structural, functional, and spatial information, amino acid conservation, physicochemical variation, residue mobility, and thermodynamic stability) indicates that this missense variant is not expected to disrupt BRCA2 protein function with a negative predictive value of 95%. In summary, the available evidence is currently insufficient to determine the role of this variant in disease. Therefore, it has been classified as a Variant of Uncertain Significance.

University of Washington Department of Laboratory Medicine, University of Washington
Classification: Likely benign for Hereditary cancer-predisposing syndrome. Last evaluated: 2023-03-23. Review status: criteria provided, single submitter. Criteria: Dines et al. (Genet Med. 2020). Collection method: curation. Allele origin: germline.
Comment: Missense variant in a coldspot region where missense variants are very unlikely to be pathogenic (PMID:31911673).

BRCA2 exon 11 coldspot. Reclassification based on statistical prior probability.

Ambry Genetics
Classification: Uncertain significance for Hereditary cancer-predisposing syndrome. Last evaluated: 2022-01-24. Review status: criteria provided, single submitter. Criteria: Ambry Variant Classification Scheme 2023. Collection method: clinical testing. Allele origin: germline.
Comment: The p.P721S variant (also known as c.2161C>T), located in coding exon 10 of the BRCA2 gene, results from a C to T substitution at nucleotide position 2161. The proline at codon 721 is replaced by serine, an amino acid with similar properties. This amino acid position is not well conserved in available vertebrate species. In addition, this alteration is predicted to be tolerated by in silico analysis. Since supporting evidence is limited at this time, the clinical significance of this alteration remains unclear.

Color Diagnostics, LLC DBA Color Health
Classification: Uncertain significance for Hereditary cancer-predisposing syndrome. Last evaluated: 2019-05-23. Review status: criteria provided, single submitter. Criteria: ACMG Guidelines, 2015. Collection method: clinical testing. Allele origin: germline.

NM_000059.4(BRCA2):c.2161C>T (p.Pro721Ser)

Gene: BRCA2 (BRCA2 DNA repair associated; plus strand). Cytogenetic location: 13q13.1.
Variant type: single nucleotide variant.
Coding change: c.2161C>T on transcript NM_000059.4 (MANE Select); coding-DNA position 2161, C replaced by T.
Protein change: p.Pro721Ser; replaces proline 721 with serine.
Molecular consequence: missense variant.
Genome position (GRCh38, 1-based): chr13:32,336,516, C>T. VCF-style: chr13-32336516-C-T. GRCh37 (hg19) VCF-style: chr13-32910653-C-T.
Other names: short protein forms P721S.
Identifiers: ClinVar variation 441365 (VCV000441365.12), dbSNP rs867089743, ClinGen allele CA247501511.
Genomic context (GRCh38, chr13:32,336,516, plus strand): 5'-TTTATTACCCCAGAAGCTGATTCTCTGTCATGCCTGCAGGAAGGACAGTGTGAAAATGAT[C>T]CAAAAAGCAAAAAAGTTTCAGATATAAAAGAAGAGGTCTTGGCTGCAGCATGTCACCCAG-3'
Protein context (NP_000050.3, residues 711-731): CLQEGQCEND[Pro721Ser]KSKKVSDIKE